The following is an entry in ClinVar:

NM_015443.4(KANSL1):c.442G>A (p.Ala148Thr)

Gene: KANSL1 (KAT8 regulatory NSL complex subunit 1). Cytogenetic location: 17q21.31.
Variant type: single nucleotide variant.
Coding change: c.442G>A on transcript NM_015443.4 (MANE Select); coding-DNA position 442, G replaced by A.
Protein change: p.Ala148Thr; replaces alanine 148 with threonine.
Molecular consequence: missense variant.
Genome position (GRCh38, 1-based): chr17:46,171,702, C>T on the plus strand (G>A on the coding strand, the complement: KANSL1 is on the minus strand). VCF-style: chr17-46171702-C-T. GRCh37 (hg19) VCF-style: chr17-44249068-C-T.
Other names: c.442G>A, p.Ala148Thr (NM_001193465.2, NM_001193466.2, NM_001379198.1); short protein forms A148T.
Identifiers: ClinVar variation 845446 (VCV000845446.12), dbSNP rs140089320, ClinGen allele CA8619053.

ClinVar aggregate classification (germline): Conflicting classifications of pathogenicity. Review status: criteria provided, conflicting classifications (1 of 4 stars). 3 submissions from 3 submitters: Uncertain significance (2); Likely benign (1). Last evaluated 2024-04-19.

Conditions:
Koolen-de Vries syndrome (KDVS). Identifiers: Orphanet 96169, MedGen C1864871, MONDO:0012496, OMIM 610443.
Inborn genetic diseases. Identifiers: MedGen C0950123, MeSH D030342.

Allele frequency attached by ClinVar (database versions not stated): gnomAD exomes 0.00001; ExAC 0.00003; gnomAD 0.00006 and 0.00007; ESP Exome Variant Server 0.00008; TOPMed 0.00008.
gnomAD v4.1: 23 of 1,556,890 alleles (0.0015%); highest among the groups gnomAD compares: African/African-American, 0.028%; no homozygotes.

Submissions (3):

Fulgent Genetics
Classification: Uncertain significance for Koolen-de Vries syndrome. Last evaluated: 2024-04-19. Review status: criteria provided, single submitter. Criteria: ACMG Guidelines, 2015. Collection method: clinical testing. Allele origin: germline.

Ambry Genetics
Classification: Likely benign for Inborn genetic diseases. Last evaluated: 2024-04-15. Review status: criteria provided, single submitter. Criteria: Ambry Variant Classification Scheme 2023. Collection method: clinical testing. Allele origin: germline.

Labcorp Genetics (formerly Invitae), Labcorp
Classification: Uncertain significance for Koolen-de Vries syndrome. Last evaluated: 2020-03-10. Review status: criteria provided, single submitter. Criteria: Invitae Variant Classification Sherloc (09022015). Collection method: clinical testing. Allele origin: germline.
Comment: This sequence change replaces alanine with threonine at codon 148 of the KANSL1 protein (p.Ala148Thr). The alanine residue is highly conserved and there is a small physicochemical difference between alanine and threonine. This variant is present in population databases (rs140089320, ExAC 0.03%). This variant has not been reported in the literature in individuals with KANSL1-related conditions. Algorithms developed to predict the effect of missense changes on protein structure and function output the following: SIFT: "Deleterious"; PolyPhen-2: "Benign"; Align-GVGD: "Class C0". The threonine amino acid residue is found in multiple mammalian species, suggesting that this missense change does not adversely affect protein function. These predictions have not been confirmed by published functional studies and their clinical significance is uncertain. In summary, the available evidence is currently insufficient to determine the role of this variant in disease. Therefore, it has been classified as a Variant of Uncertain Significance.